The following is an entry in ClinVar:

ClinVar aggregate classification (germline): Pathogenic. Review status: criteria provided, multiple submitters, no conflicts (2 of 4 stars). 2 submissions from 2 submitters: Pathogenic (2). Last evaluated 2023-07-01.

Conditions:
Immunodeficiency 35 (IMD35). Also called: Susceptibility to infection due to TYK2 deficiency; HIES WITH ATYPICAL MYCOBACTERIOSIS, AUTOSOMAL RECESSIVE; HYPER-IgE SYNDROME WITH ATYPICAL MYCOBACTERIOSIS, AUTOSOMAL RECESSIVE; TYK2 DEFICIENCY. Identifiers: Orphanet 331226, MedGen C1969086, MONDO:0012682, OMIM 611521.

Submissions (2):

CeGaT Center for Human Genetics Tuebingen
Classification: Pathogenic. Last evaluated: 2023-07-01. Review status: criteria provided, single submitter. Criteria: CeGaT Center For Human Genetics Tuebingen Variant Classification Criteria Version 2. Collection method: clinical testing. Allele origin: germline. Affected: yes. Observed: 2 variant alleles.
Comment: TYK2: PVS1, PM2, PM3:Supporting

Labcorp Genetics (formerly Invitae), Labcorp
Classification: Pathogenic for Immunodeficiency 35. Last evaluated: 2022-10-17. Review status: criteria provided, single submitter. Criteria: Invitae Variant Classification Sherloc (09022015). Collection method: clinical testing. Allele origin: germline.
Comment: This sequence change creates a premature translational stop signal (p.Trp798*) in the TYK2 gene. It is expected to result in an absent or disrupted protein product. Loss-of-function variants in TYK2 are known to be pathogenic (PMID: 22402565, 26304966). This variant is not present in population databases (gnomAD no frequency). This variant has not been reported in the literature in individuals affected with TYK2-related conditions. ClinVar contains an entry for this variant (Variation ID: 1425910). For these reasons, this variant has been classified as Pathogenic.

Literature cited by the submitters: PubMed 22402565 (cited by Labcorp Genetics (formerly Invitae), Labcorp); PubMed 26304966 (cited by Labcorp Genetics (formerly Invitae), Labcorp).

NM_003331.5(TYK2):c.2393G>A (p.Trp798Ter)

Gene: TYK2 (tyrosine kinase 2; minus strand). Cytogenetic location: 19p13.2.
Variant type: single nucleotide variant.
Coding change: c.2393G>A on transcript NM_003331.5 (MANE Select); coding-DNA position 2393, G replaced by A.
Protein change: p.Trp798Ter; replaces tryptophan 798 with a stop codon.
Molecular consequence: nonsense.
Genome position (GRCh38, 1-based): chr19:10,357,837, C>T on the plus strand (G>A on the coding strand, the complement: TYK2 is on the minus strand). VCF-style: chr19-10357837-C-T. GRCh37 (hg19) VCF-style: chr19-10468513-C-T.
Other names: c.2393G>A, p.Trp798Ter (NM_001385197.1, NM_001385198.1, NM_001385200.1 and 2 more transcripts); c.2207G>A, p.Trp736Ter (NM_001385199.1); c.2195G>A, p.Trp732Ter (NM_001385201.1); c.2309G>A, p.Trp770Ter (NM_001385202.1); c.2303G>A, p.Trp768Ter (NM_001385205.1); c.2267G>A, p.Trp756Ter (NM_001385206.1); c.2375G>A, p.Trp792Ter (NM_001385207.1); short protein forms W768*, W736*, W792*, W770*, W798*, W732*, W756*.
Identifiers: ClinVar variation 1425910 (VCV001425910.32), dbSNP rs2145184643, ClinGen allele CA403995549.